The following is an entry in ClinVar:

NM_001352754.2(ARMC9):c.2086A>G (p.Arg696Gly)

Gene: ARMC9 (armadillo repeat containing 9; plus strand). Cytogenetic location: 2q37.1.
Variant type: single nucleotide variant.
Coding change: c.2086A>G on transcript NM_001352754.2 (MANE Select); coding-DNA position 2086, A replaced by G.
Protein change: p.Arg696Gly; replaces arginine 696 with glycine.
Molecular consequence: missense variant.
Genome position (GRCh38, 1-based): chr2:231,355,889, A>G. VCF-style: chr2-231355889-A-G. GRCh37 (hg19) VCF-style: chr2-232220601-A-G.
Other names: c.2086A>G, p.Arg696Gly (NM_001271466.4); c.2086A>G (NM_001271466.3); short protein forms R696G.
Identifiers: ClinVar variation 862706 (VCV000862706.27), dbSNP rs536000748, ClinGen allele CA2160578.
Genomic context (GRCh38, chr2:231,355,889, plus strand): 5'-GCCCAGCACGCCAGAAACGGCCACCCGCAGGCCCTGCCAGCCGCTCACGAGGCTGTCTAC[A>G]GGGAGGGCAAGCCCAGCACCCCGGAGTCCTGCGTCTCCTCTTCATGTAAGAATGTGGGCA-3'
Protein context (NP_001339683.2, residues 686-706): ALPAAHEAVY[Arg696Gly]EGKPSTPESC

ClinVar aggregate classification (germline): Benign/Likely benign. Review status: criteria provided, multiple submitters, no conflicts (2 of 4 stars). 4 submissions from 4 submitters: Benign (1); Likely benign (2). 1 of the submissions does not count toward it. Last evaluated 2026-07-01.

Conditions:
ARMC9-related disorder. Also called: ARMC9-related condition.

Allele frequency attached by ClinVar (database versions not stated): gnomAD 0.00011 and 0.00028; TOPMed 0.00017; 1000 Genomes Project 0.00040; gnomAD exomes 0.00056 and 0.00122; 1000 Genomes Project 30x 0.00062; ExAC 0.00330.
gnomAD v4.1: 801 of 1,536,138 alleles (0.052%); highest among the groups gnomAD compares: South Asian, 0.64%; 5 homozygotes.

Submissions (4):

CeGaT Center for Human Genetics Tuebingen
Classification: Likely benign. Last evaluated: 2026-07-01. Review status: criteria provided, single submitter. Criteria: CeGaT Center For Human Genetics Tuebingen Variant Classification Criteria Version 2. Collection method: clinical testing. Allele origin: germline. Affected: yes. Observed: 3 variant alleles.
Comment: ARMC9: BP4

Labcorp Genetics (formerly Invitae), Labcorp
Classification: Benign. Last evaluated: 2025-11-19. Review status: criteria provided, single submitter. Criteria: Invitae Variant Classification Sherloc (09022015). Collection method: clinical testing. Allele origin: germline.

Blueprint Genetics
Classification: Likely benign. Last evaluated: 2024-11-25. Review status: criteria provided, single submitter. Criteria: ACMG Guidelines, 2015. Collection method: clinical testing. Allele origin: germline.

PreventionGenetics, part of Exact Sciences
Classification: Likely benign for ARMC9-related condition. Last evaluated: 2019-07-10. Review status: no assertion criteria provided. Collection method: clinical testing. Allele origin: germline. Not counted in ClinVar's aggregate classification.
Comment: This variant is classified as likely benign based on ACMG/AMP sequence variant interpretation guidelines (Richards et al. 2015 PMID: 25741868, with internal and published modifications).